The following is an entry in ClinVar:

ClinVar aggregate classification (germline): Uncertain significance (1 of 4 stars; one submission).

Submission:

Labcorp Genetics (formerly Invitae), Labcorp
Classification: Uncertain significance. Last evaluated: 2022-10-03. Review status: criteria provided, single submitter. Criteria: Invitae Variant Classification Sherloc (09022015). Collection method: clinical testing. Allele origin: germline.
Comment: In summary, the available evidence is currently insufficient to determine the role of this variant in disease. Therefore, it has been classified as a Variant of Uncertain Significance. Algorithms developed to predict the effect of missense changes on protein structure and function are either unavailable or do not agree on the potential impact of this missense change (SIFT: "Deleterious"; PolyPhen-2: "Probably Damaging"; Align-GVGD: "Class C0"). This variant has not been reported in the literature in individuals affected with RFWD3-related conditions. This variant is not present in population databases (gnomAD no frequency). This sequence change replaces arginine, which is basic and polar, with proline, which is neutral and non-polar, at codon 570 of the RFWD3 protein (p.Arg570Pro).

NM_018124.4(RFWD3):c.1709G>C (p.Arg570Pro)

Gene: RFWD3 (ring finger and WD repeat domain 3; minus strand). Cytogenetic location: 16q23.1.
Variant type: single nucleotide variant.
Coding change: c.1709G>C on transcript NM_018124.4 (MANE Select); coding-DNA position 1709, G replaced by C.
Protein change: p.Arg570Pro; replaces arginine 570 with proline.
Molecular consequence: missense variant. On other transcripts: intron variant (1).
Genome position (GRCh38, 1-based): chr16:74,630,826, C>G on the plus strand (G>C on the coding strand, the complement: RFWD3 is on the minus strand). VCF-style: chr16-74630826-C-G. GRCh37 (hg19) VCF-style: chr16-74664724-C-G.
Other names: c.1709G>C, p.Arg570Pro (NM_001370534.1, NM_001370535.1); c.875G>C, p.Arg292Pro (NM_001370537.1, NM_001370539.1, NM_001370540.1 and 3 more transcripts); c.1577+1697G>C (NM_001370536.1); short protein forms R292P, R570P.
Identifiers: ClinVar variation 2032053 (VCV002032053.4), dbSNP rs772951020, ClinGen allele CA396760211.